The following is an entry in ClinVar:

NM_001040436.3(YARS2):c.477C>T (p.Phe159=)

Gene: YARS2 (tyrosyl-tRNA synthetase 2; minus strand). Cytogenetic location: 12p11.21.
Variant type: single nucleotide variant.
Coding change: c.477C>T on transcript NM_001040436.3 (MANE Select); coding-DNA position 477, C replaced by T.
Protein change: p.Phe159=; no amino-acid change (phenylalanine 159 retained).
Molecular consequence: synonymous variant.
Genome position (GRCh38, 1-based): chr12:32,755,398, G>A on the plus strand (C>T on the coding strand, the complement: YARS2 is on the minus strand). VCF-style: chr12-32755398-G-A. GRCh37 (hg19) VCF-style: chr12-32908332-G-A.
Identifiers: ClinVar variation 308462 (VCV000308462.35), dbSNP rs774325742, ClinGen allele CA6508162.
Genomic context (GRCh38, chr12:32,755,398, plus strand): 5'-CTTCTGGTACCAGGCCGAGTTGTCCAGCACAGTGAAGCTGCCCCAGGAGCGCCCATCAGT[G>A]AAAAGCTGCTGGTGATTAGCCGCCAGGGCCTCAAGCCCTAGGCGCAGAGCTCGCGCGTTG-3'
Protein context (NP_001035526.1, residues 149-169): EALAANHQQL[Phe159=]TDGRSWGSFT

ClinVar aggregate classification (germline): Conflicting classifications of pathogenicity. Review status: criteria provided, conflicting classifications (1 of 4 stars). 5 submissions from 5 submitters: Uncertain significance (1); Likely benign (4). Last evaluated 2025-11-27.

Conditions:
Myopathy, lactic acidosis, and sideroblastic anemia 2 (MLASA2). Identifiers: Orphanet 2598, MedGen C3150802, MONDO:0013307, OMIM 613561.

Allele frequency attached by ClinVar (database versions not stated): gnomAD exomes 0.00009 and 0.00005; gnomAD 0.00005 and 0.00006; ExAC 0.00006; TOPMed 0.00008.
gnomAD v4.1: 86 of 1,613,864 alleles (0.0053%); highest among the groups gnomAD compares: Middle Eastern, 0.51%; 2 homozygotes.

Submissions (5):

Labcorp Genetics (formerly Invitae), Labcorp
Classification: Likely benign. Last evaluated: 2025-11-27. Review status: criteria provided, single submitter. Criteria: Invitae Variant Classification Sherloc (09022015). Collection method: clinical testing. Allele origin: germline.

Blueprint Genetics
Classification: Likely benign. Last evaluated: 2024-04-11. Review status: criteria provided, single submitter. Criteria: ACMG Guidelines, 2015. Collection method: clinical testing. Allele origin: germline.

CeGaT Center for Human Genetics Tuebingen
Classification: Likely benign. Last evaluated: 2023-02-01. Review status: criteria provided, single submitter. Criteria: CeGaT Center For Human Genetics Tuebingen Variant Classification Criteria Version 2. Collection method: clinical testing. Allele origin: germline. Affected: yes. Observed: 2 variant alleles.
Comment: YARS2: BP4, BP7

Illumina Laboratory Services, Illumina
Classification: Uncertain significance for Myopathy, lactic acidosis, and sideroblastic anemia 2. Last evaluated: 2018-01-13. Review status: criteria provided, single submitter. Criteria: ICSL Variant Classification Criteria 13 December 2019. Collection method: clinical testing. Allele origin: germline.

GeneDx
Classification: Likely benign. Last evaluated: 2017-08-10. Review status: criteria provided, single submitter. Criteria: GeneDx Variant Classification (06012015). Collection method: clinical testing. Allele origin: germline. Affected: yes.
Comment: This variant is considered likely benign or benign based on one or more of the following criteria: it is a conservative change, it occurs at a poorly conserved position in the protein, it is predicted to be benign by multiple in silico algorithms, and/or has population frequency not consistent with disease.